The following is an entry in ClinVar:

NC_000002.11:g.(?_175612842)_(175629600_?)dup

Genes: CHRNA1 (cholinergic receptor nicotinic alpha 1 subunit; minus strand), LOC129935150 (ATAC-STARR-seq lymphoblastoid silent region 12130; plus strand), LOC129935149 (ATAC-STARR-seq lymphoblastoid active region 16786; plus strand), LOC122861243 (Sharpr-MPRA regulatory region 14969; plus strand). Cytogenetic location: 2q31.1.
Variant type: Duplication.
Identifiers: ClinVar variation 639381 (VCV000639381.2).

ClinVar aggregate classification (germline): Uncertain significance (1 of 4 stars; one submission).

Conditions:
Lethal multiple pterygium syndrome (LMPS). Identifiers: Orphanet 33108, MedGen C1854678, MONDO:0009668, OMIM 253290.

Submission:

Labcorp Genetics (formerly Invitae), Labcorp
Classification: Uncertain significance for Lethal multiple pterygium syndrome. Last evaluated: 2018-10-08. Review status: criteria provided, single submitter. Criteria: Invitae Variant Classification Sherloc (09022015). Collection method: clinical testing. Allele origin: germline.
Comment: This variant results in a copy number gain of the genomic region encompassing the full coding sequence of the CHRNA1 gene. The boundaries of this event are unknown as they extend beyond the assayed region for this gene and therefore may encompass additional genes. As the precise location of this event is unknown, it may be in tandem or it may be located elsewhere in the genome. This variant has not been reported in the literature in individuals with CHRNA1-related disease. In summary, the available evidence is currently insufficient to determine the role of this variant in disease. Therefore, it has been classified as a Variant of Uncertain Significance.